The following is an entry in ClinVar:

NM_001267550.2(TTN):c.73557_73558dup (p.Pro24520fs)

Genes: TTN-AS1 (TTN antisense RNA 1; plus strand), TTN (titin; minus strand). Cytogenetic location: 2q31.2.
Variant type: Microsatellite.
Coding change: c.73557_73558dup on transcript NM_001267550.2 (MANE Select); coding-DNA positions 73557 to 73558, 2 bases duplicated (AC; older notation c.73557_73558dupAC).
Protein change: p.Pro24520fs; shifts the reading frame from proline 24520.
Molecular consequence: frameshift variant.
Genome position (GRCh38, 1-based): chr2:178,572,574-178,572,575, GT duplicated on the plus strand (AC on the coding strand, the reverse complement: TTN is on the minus strand); duplicating any 2 consecutive bases within chr2:178,572,574-178,572,577 gives the same sequence; the c. name uses the placement nearest the transcript's 3' end. VCF-style (leftmost placement, unchanged base first): chr2-178572573-G-GGT. GRCh37 (hg19) VCF-style: chr2-179437300-G-GGT.
Other names: c.68634_68635dup, p.Pro22879fs (NM_001256850.1); c.46362_46363dup, p.Pro15455fs (NM_003319.4); c.65853_65854dup, p.Pro21952fs (NM_133378.4); c.46737_46738dup, p.Pro15580fs (NM_133432.3); c.46938_46939dup, p.Pro15647fs (NM_133437.4); short protein forms P15580fs, P15647fs, P15455fs, P21952fs, P22879fs, P24520fs.
Identifiers: ClinVar variation 577028 (VCV000577028.10), dbSNP rs1559415816, ClinGen allele CA891843395.

ClinVar aggregate classification (germline): Likely pathogenic (1 of 4 stars; one submission).

Conditions:
Autosomal recessive limb-girdle muscular dystrophy type 2J (LGMDR10). Also called: Limb-girdle muscular dystrophy, type 2J; MUSCULAR DYSTROPHY, LIMB-GIRDLE, AUTOSOMAL RECESSIVE 10. Identifiers: Orphanet 140922, MedGen C1837342, MONDO:0012127, OMIM 608807.
Dilated cardiomyopathy 1G (CMD1G). Identifiers: Orphanet 154, MedGen C1858763, MONDO:0011400, OMIM 604145.

Submission:

Labcorp Genetics (formerly Invitae), Labcorp
Classification: Likely pathogenic for Dilated cardiomyopathy 1G; Autosomal recessive limb-girdle muscular dystrophy type 2J. Last evaluated: 2018-07-30. Review status: criteria provided, single submitter. Criteria: Invitae Variant Classification Sherloc (09022015). Collection method: clinical testing. Allele origin: germline.
Comment: This sequence change results in a premature translational stop signal in the TTN gene (p.Pro24520Hisfs*8). While this is not anticipated to result in nonsense mediated decay, it is expected to create a truncated TTN protein. This variant is not present in population databases (ExAC no frequency). This variant has not been reported in the literature in individuals with TTN-related disease. This variant identified in the TTN gene is located in the A band of the resulting protein (PMID: 25589632). Truncating variants in this region are significantly overrepresented in patients affected with dilated cardiomyopathy (PMID: 25589632). Truncating variants in TTN have also been reported in individuals affected with autosomal recessive centronuclear myopathy (PMID: 23975875). In summary, the currently available evidence indicates that the variant is pathogenic, but additional data are needed to prove that conclusively. Therefore, this variant has been classified as Likely Pathogenic.

Literature cited by the submitters: PubMed 25589632; PubMed 23975875.